The following is an entry in ClinVar:

ClinVar aggregate classification (germline): Uncertain significance. Review status: criteria provided, multiple submitters, no conflicts (2 of 4 stars). 2 submissions from 2 submitters: Uncertain significance (2). Last evaluated 2025-10-14.

Conditions:
CHARGE syndrome (CHARGE). Also called: Hittner Hirsch Kreh syndrome; CHARGE ASSOCIATION--COLOBOMA, HEART ANOMALY, CHOANAL ATRESIA, RETARDATION, GENITAL AND EAR ANOMALIES; Coloboma, heart anomaly, choanal atresia, retardation, genital and ear anomalies; CHARGE association; Hall-Hittner syndrome. Identifiers: Orphanet 138, MedGen C0265354, MONDO:0008965.

Allele frequency attached by ClinVar (database versions not stated): gnomAD exomes below 0.00001 and 0.00001; ExAC 0.00002; TOPMed 0.00002; gnomAD 0.00003.
gnomAD v4.1: 7 of 1,609,976 alleles (0.00043%); highest among the groups gnomAD compares: African/African-American, 0.0081%; no homozygotes.

Submissions (2):

Ambry Genetics
Classification: Uncertain significance. Last evaluated: 2025-10-14. Review status: criteria provided, single submitter. Criteria: Ambry Variant Classification Scheme 2023. Collection method: clinical testing. Allele origin: germline.

Labcorp Genetics (formerly Invitae), Labcorp
Classification: Uncertain significance for CHARGE syndrome. Last evaluated: 2021-02-01. Review status: criteria provided, single submitter. Criteria: Invitae Variant Classification Sherloc (09022015). Collection method: clinical testing. Allele origin: germline.
Comment: This sequence change replaces arginine with tryptophan at codon 32 of the SEMA3E protein (p.Arg32Trp). The arginine residue is moderately conserved and there is a moderate physicochemical difference between arginine and tryptophan. This variant is present in population databases (rs774777538, ExAC 0.02%). This variant has not been reported in the literature in individuals with SEMA3E-related conditions. Algorithms developed to predict the effect of missense changes on protein structure and function are either unavailable or do not agree on the potential impact of this missense change (SIFT: "Deleterious"; PolyPhen-2: "Possibly Damaging"; Align-GVGD: "Class C0"). In summary, the available evidence is currently insufficient to determine the role of this variant in disease. Therefore, it has been classified as a Variant of Uncertain Significance.

NM_012431.3(SEMA3E):c.94C>T (p.Arg32Trp)

Gene: SEMA3E (semaphorin 3E; minus strand). Cytogenetic location: 7q21.11.
Variant type: single nucleotide variant.
Coding change: c.94C>T on transcript NM_012431.3 (MANE Select); coding-DNA position 94, C replaced by T.
Protein change: p.Arg32Trp; replaces arginine 32 with tryptophan.
Molecular consequence: missense variant.
Genome position (GRCh38, 1-based): chr7:83,648,449, G>A on the plus strand (C>T on the coding strand, the complement: SEMA3E is on the minus strand). VCF-style: chr7-83648449-G-A. GRCh37 (hg19) VCF-style: chr7-83277765-G-A.
Other names: c.94C>T (NM_012431.2); short protein forms R32W.
Identifiers: ClinVar variation 1407029 (VCV001407029.9), dbSNP rs774777538, ClinGen allele CA4322488.